The following is an entry in ClinVar:

NM_001040108.2(MLH3):c.711C>T (p.Gly237=)

Gene: MLH3 (mutL homolog 3; minus strand). Cytogenetic location: 14q24.3.
Variant type: single nucleotide variant.
Coding change: c.711C>T on transcript NM_001040108.2 (MANE Select); coding-DNA position 711, C replaced by T.
Protein change: p.Gly237=; no amino-acid change (glycine 237 retained).
Molecular consequence: synonymous variant.
Genome position (GRCh38, 1-based): chr14:75,048,945, G>A on the plus strand (C>T on the coding strand, the complement: MLH3 is on the minus strand). VCF-style: chr14-75048945-G-A. GRCh37 (hg19) VCF-style: chr14-75515648-G-A.
Other names: c.711C>T, p.Gly237= (NM_014381.3).
Identifiers: ClinVar variation 2146151 (VCV002146151.6), dbSNP rs758878329, ClinGen allele CA7275981.

ClinVar aggregate classification (germline): Benign/Likely benign. Review status: criteria provided, multiple submitters, no conflicts (2 of 4 stars). 3 submissions from 3 submitters: Benign (1); Likely benign (2). Last evaluated 2026-04-29.

Conditions:
Colorectal cancer, hereditary nonpolyposis, type 7. Identifiers: Orphanet 144, MedGen C1858380, MONDO:0013725, OMIM 614385.

Allele frequency attached by ClinVar (database versions not stated): ExAC 0.00001.
gnomAD v4.1: 4 of 1,613,180 alleles (0.00025%); highest among the groups gnomAD compares: Admixed American, 0.0033%; no homozygotes.

Submissions (3):

Myriad Genetics, Inc.
Classification: Benign for Colorectal cancer, hereditary nonpolyposis, type 7. Last evaluated: 2026-04-29. Review status: criteria provided, single submitter. Criteria: Myriad Autosomal Dominant, Autosomal Recessive and X-Linked Classification Criteria (2023). Collection method: clinical testing. Allele origin: unknown.
Comment: This variant is considered benign. This variant is a silent/synonymous amino acid change and it is not expected to impact splicing.

Ambry Genetics
Classification: Likely benign. Last evaluated: 2024-08-30. Review status: criteria provided, single submitter. Criteria: Ambry Variant Classification Scheme 2023. Collection method: clinical testing. Allele origin: germline.

Labcorp Genetics (formerly Invitae), Labcorp
Classification: Likely benign for Colorectal cancer, hereditary nonpolyposis, type 7. Last evaluated: 2022-08-21. Review status: criteria provided, single submitter. Criteria: Invitae Variant Classification Sherloc (09022015). Collection method: clinical testing. Allele origin: germline.